The following is an entry in ClinVar:

NM_002907.4(RECQL):c.1016T>C (p.Ile339Thr)

Gene: RECQL (RecQ like helicase; minus strand). Cytogenetic location: 12p12.1.
Variant type: single nucleotide variant.
Coding change: c.1016T>C on transcript NM_002907.4 (MANE Select); coding-DNA position 1016, T replaced by C.
Protein change: p.Ile339Thr; replaces isoleucine 339 with threonine.
Molecular consequence: missense variant.
Genome position (GRCh38, 1-based): chr12:21,475,758, A>G on the plus strand (T>C on the coding strand, the complement: RECQL is on the minus strand). VCF-style: chr12-21475758-A-G. GRCh37 (hg19) VCF-style: chr12-21628692-A-G.
Other names: c.1016T>C, p.Ile339Thr (NM_032941.3); short protein forms I339T.
Identifiers: ClinVar variation 1390946 (VCV001390946.8), dbSNP rs1943074487, ClinGen allele CA384121706.

ClinVar aggregate classification (germline): Uncertain significance. Review status: criteria provided, multiple submitters, no conflicts (2 of 4 stars). 2 submissions from 2 submitters: Uncertain significance (2). Last evaluated 2025-07-31.

Submissions (2):

Labcorp Genetics (formerly Invitae), Labcorp
Classification: Uncertain significance. Last evaluated: 2025-07-31. Review status: criteria provided, single submitter. Criteria: Invitae Variant Classification Sherloc (09022015). Collection method: clinical testing. Allele origin: germline.
Comment: This sequence change replaces isoleucine, which is neutral and non-polar, with threonine, which is neutral and polar, at codon 339 of the RECQL protein (p.Ile339Thr). This variant is not present in population databases (gnomAD no frequency). This variant has not been reported in the literature in individuals affected with RECQL-related conditions. ClinVar contains an entry for this variant (Variation ID: 1390946). Invitae Evidence Modeling of protein sequence and biophysical properties (such as structural, functional, and spatial information, amino acid conservation, physicochemical variation, residue mobility, and thermodynamic stability) indicates that this missense variant is expected to disrupt RECQL protein function with a positive predictive value of 80%. In summary, the available evidence is currently insufficient to determine the role of this variant in disease. Therefore, it has been classified as a Variant of Uncertain Significance.

Ambry Genetics
Classification: Uncertain significance. Last evaluated: 2020-08-19. Review status: criteria provided, single submitter. Criteria: Ambry Variant Classification Scheme 2023. Collection method: clinical testing. Allele origin: germline.
Comment: The p.I339T variant (also known as c.1016T>C), located in coding exon 8 of the RECQL gene, results from a T to C substitution at nucleotide position 1016. The isoleucine at codon 339 is replaced by threonine, an amino acid with similar properties. This amino acid position is highly conserved in available vertebrate species. In addition, this alteration is predicted to be deleterious by in silico analysis. Since supporting evidence is limited at this time, the clinical significance of this alteration remains unclear.